The following is an entry in ClinVar:

NM_000310.4(PPT1):c.665_666del (p.Leu222fs)

Gene: PPT1 (palmitoyl-protein thioesterase 1; minus strand). Cytogenetic location: 1p34.2.
Variant type: Deletion.
Coding change: c.665_666del on transcript NM_000310.4 (MANE Select); coding-DNA positions 665 to 666, 2 bases deleted (TG; older notation c.665_666delTG).
Protein change: p.Leu222fs; shifts the reading frame from leucine 222.
Molecular consequence: frameshift variant.
Genome position (GRCh38, 1-based): chr1:40,078,620-40,078,621, CA deleted on the plus strand (TG on the coding strand, the reverse complement: PPT1 is on the minus strand). VCF-style (leftmost placement, unchanged base first): chr1-40078619-TCA-T. GRCh37 (hg19) VCF-style: chr1-40544291-TCA-T.
Other names: c.356_357del, p.Leu119fs (NM_001142604.2); c.665_666del, p.Leu222fs (NM_001363695.2); short protein forms L119fs, L222fs.
Identifiers: ClinVar variation 1725859 (VCV001725859.2), dbSNP rs2523635666, ClinGen allele CA2580062734.
Genomic context (GRCh38, chr1:40,078,619, plus strand): 5'-CCTCCGAATCTACAGGGTCCACAATGGAATCATTGAGGAATTTCACCATCACAAACTTCT[TCA>T]GGGCCATCAGGTTTTTCTTGTAGGACTCATTGATACCCTGAAAGAAAGGCCAGCAACACC-3'

ClinVar aggregate classification (germline): Likely pathogenic (1 of 4 stars; one submission).

Conditions:
Neuronal ceroid lipofuscinosis 1 (CLN1). Also called: CEROID LIPOFUSCINOSIS, NEURONAL, 1, VARIABLE AGE AT ONSET; PPT1-Related Neuronal Ceroid-Lipofuscinosis. Identifiers: Orphanet 228329, MedGen C1850451, MONDO:0009744, OMIM 256730.

Submission:

Myriad Genetics, Inc.
Classification: Likely pathogenic for Neuronal ceroid lipofuscinosis 1. Last evaluated: 2022-04-04. Review status: criteria provided, single submitter. Criteria: Myriad Women's Health Autosomal Recessive and X-Linked Classification Criteria (2021). Collection method: clinical testing. Allele origin: unknown.
Comment: NM_000310.3(PPT1):c.665_666delTG(L222Qfs*11) is expected to be pathogenic in the context of PPT1-related neuronal ceroid lipofuscinosis. This variant is predicted to lead to an abnormal or absent protein product due to the creation of a premature termination codon in PPT1, a gene where loss-of-function variants are known to be pathogenic. Please note: this variant was assessed in the context of healthy population screening.